The following is an entry in ClinVar:

ClinVar aggregate classification (germline): Uncertain significance (1 of 4 stars; one submission).

Conditions:
Fanconi anemia (FA). Also called: Fanconi's anemia. Identifiers: Orphanet 84, MedGen C0015625, MeSH D005199, MONDO:0019391.

gnomAD v4.1: 1 of 1,614,154 alleles (0.000062%); highest among the groups gnomAD compares: Non-Finnish European, 0.000085%; no homozygotes.

Submission:

Labcorp Genetics (formerly Invitae), Labcorp
Classification: Uncertain significance for Fanconi anemia. Last evaluated: 2024-11-05. Review status: criteria provided, single submitter. Criteria: Invitae Variant Classification Sherloc (09022015). Collection method: clinical testing. Allele origin: germline.
Comment: This sequence change replaces glutamic acid, which is acidic and polar, with lysine, which is basic and polar, at codon 856 of the SLX4 protein (p.Glu856Lys). This variant is not present in population databases (gnomAD no frequency). This variant has not been reported in the literature in individuals affected with SLX4-related conditions. An algorithm developed to predict the effect of missense changes on protein structure and function (PolyPhen-2) suggests that this variant is likely to be disruptive. In summary, the available evidence is currently insufficient to determine the role of this variant in disease. Therefore, it has been classified as a Variant of Uncertain Significance.

NM_032444.4(SLX4):c.2566G>A (p.Glu856Lys)

Gene: SLX4 (SLX4 structure-specific endonuclease subunit; minus strand). Cytogenetic location: 16p13.3.
Variant type: single nucleotide variant.
Coding change: c.2566G>A on transcript NM_032444.4 (MANE Select); coding-DNA position 2566, G replaced by A.
Protein change: p.Glu856Lys; replaces glutamic acid 856 with lysine.
Molecular consequence: missense variant.
Genome position (GRCh38, 1-based): chr16:3,591,072, C>T on the plus strand (G>A on the coding strand, the complement: SLX4 is on the minus strand). VCF-style: chr16-3591072-C-T. GRCh37 (hg19) VCF-style: chr16-3641073-C-T.
Other names: short protein forms E856K.
Identifiers: ClinVar variation 3636556 (VCV003636556.2).
Genomic context (GRCh38, chr16:3,591,072, plus strand): 5'-CCTCGCCGGCACCCGCTGCCCTTTCTTCCTGGAGAAGCTTTCGCTGAGTAGCTGCAAATT[C>T]ATAAATTTCTTCCATTTCTGCTTCATTCACGTTTTCTTGATCTTCTTCGTGGTCCTTGGA-3'
Protein context (NP_115820.2, residues 846-866): VNEAEMEEIY[Glu856Lys]FAATQRKLLQ